The following is an entry in ClinVar:

ClinVar aggregate classification (germline): Conflicting classifications of pathogenicity. Review status: criteria provided, conflicting classifications (1 of 4 stars). 2 submissions from 2 submitters: Pathogenic (1); Uncertain significance (1). Last evaluated 2024-06-18.

Conditions:
Wilson disease (WND). Also called: Wilson's disease. Identifiers: Orphanet 905, MedGen C0019202, MONDO:0010200, OMIM 277900. Disease mechanism: loss of function.

Submissions (2):

Fulgent Genetics
Classification: Uncertain significance for Wilson disease. Last evaluated: 2024-06-18. Review status: criteria provided, single submitter. Criteria: ACMG Guidelines, 2015. Collection method: clinical testing. Allele origin: germline.

Labcorp Genetics (formerly Invitae), Labcorp
Classification: Pathogenic for Wilson disease. Last evaluated: 2021-05-05. Review status: criteria provided, single submitter. Criteria: Invitae Variant Classification Sherloc (09022015). Collection method: clinical testing. Allele origin: germline.
Comment: For these reasons, this variant has been classified as Pathogenic. Advanced modeling of protein sequence and biophysical properties (such as structural, functional, and spatial information, amino acid conservation, physicochemical variation, residue mobility, and thermodynamic stability) performed at Invitae indicates that this missense variant is expected to disrupt ATP7B protein function. This missense change has been observed in individual(s) with Wilson disease (PMID: 15024742, Invitae). This variant is not present in population databases (ExAC no frequency). This sequence change replaces phenylalanine with leucine at codon 1094 of the ATP7B protein (p.Phe1094Leu). The phenylalanine residue is moderately conserved and there is a small physicochemical difference between phenylalanine and leucine.

Literature cited by the submitters: PubMed 15024742 (cited by Labcorp Genetics (formerly Invitae), Labcorp).

NM_000053.4(ATP7B):c.3282C>A (p.Phe1094Leu)

Gene: ATP7B (ATPase copper transporting beta; minus strand). Cytogenetic location: 13q14.3.
Variant type: single nucleotide variant.
Coding change: c.3282C>A on transcript NM_000053.4 (MANE Select); coding-DNA position 3282, C replaced by A.
Protein change: p.Phe1094Leu; replaces phenylalanine 1094 with leucine.
Molecular consequence: missense variant.
Genome position (GRCh38, 1-based): chr13:51,942,516, G>T on the plus strand (C>A on the coding strand, the complement: ATP7B is on the minus strand). VCF-style: chr13-51942516-G-T. GRCh37 (hg19) VCF-style: chr13-52516652-G-T.
Other names: c.2661C>A, p.Phe887Leu (NM_001005918.3); c.2949C>A, p.Phe983Leu (NM_001243182.2); c.3048C>A, p.Phe1016Leu (NM_001330578.2); c.3030C>A, p.Phe1010Leu (NM_001330579.2); short protein forms F1016L, F1094L, F887L, F983L, F1010L.
Identifiers: ClinVar variation 1459893 (VCV001459893.9), dbSNP rs1957397703, ClinGen allele CA388028758.